The following is an entry in ClinVar:

ClinVar aggregate classification (germline): Uncertain significance (1 of 4 stars; one submission).

Conditions:
Periodic fever-infantile enterocolitis-autoinflammatory syndrome. Also called: Autoinflammation with infantile enterocolitis. Identifiers: Orphanet 436166, MedGen C4015067, MONDO:0014472, OMIM 616050.
Familial cold autoinflammatory syndrome 4 (FCAS4). Identifiers: Orphanet 47045, Orphanet 576349, MedGen C4015276, MONDO:0014498, OMIM 616115.

Allele frequency attached by ClinVar (database versions not stated): gnomAD exomes below 0.00001.
gnomAD v4.1: 2 of 1,614,162 alleles (0.00012%); highest among the groups gnomAD compares: Non-Finnish European, 0.00017%; no homozygotes.

Submission:

Labcorp Genetics (formerly Invitae), Labcorp
Classification: Uncertain significance for Periodic fever-infantile enterocolitis-autoinflammatory syndrome; Familial cold autoinflammatory syndrome 4. Last evaluated: 2022-11-29. Review status: criteria provided, single submitter. Criteria: Invitae Variant Classification Sherloc (09022015). Collection method: clinical testing. Allele origin: germline.
Comment: In summary, the available evidence is currently insufficient to determine the role of this variant in disease. Therefore, it has been classified as a Variant of Uncertain Significance. This sequence change replaces glycine, which is neutral and non-polar, with glutamic acid, which is acidic and polar, at codon 702 of the NLRC4 protein (p.Gly702Glu). This variant is present in population databases (no rsID available, gnomAD 0.0009%). This variant has not been reported in the literature in individuals affected with NLRC4-related conditions. Advanced modeling of protein sequence and biophysical properties (such as structural, functional, and spatial information, amino acid conservation, physicochemical variation, residue mobility, and thermodynamic stability) performed at Invitae indicates that this missense variant is expected to disrupt NLRC4 protein function.

NM_001199138.2(NLRC4):c.2105G>A (p.Gly702Glu)

Gene: NLRC4 (NLR family CARD domain containing 4; minus strand). Cytogenetic location: 2p22.3.
Variant type: single nucleotide variant.
Coding change: c.2105G>A on transcript NM_001199138.2 (MANE Select); coding-DNA position 2105, G replaced by A.
Protein change: p.Gly702Glu; replaces glycine 702 with glutamic acid.
Molecular consequence: missense variant. On other transcripts: intron variant (1).
Genome position (GRCh38, 1-based): chr2:32,249,759, C>T on the plus strand (G>A on the coding strand, the complement: NLRC4 is on the minus strand). VCF-style: chr2-32249759-C-T. GRCh37 (hg19) VCF-style: chr2-32474828-C-T.
Other names: c.2105G>A, p.Gly702Glu (NM_001199139.2, NM_021209.5); c.262+2660G>A (NM_001302504.1); short protein forms G702E.
Identifiers: ClinVar variation 2941903 (VCV002941903.3), dbSNP rs1300602571, ClinGen allele CA346510991.